The following is an entry in ClinVar:

ClinVar aggregate classification (germline): Uncertain significance. Review status: criteria provided, multiple submitters, no conflicts (2 of 4 stars). 2 submissions from 2 submitters: Uncertain significance (2). Last evaluated 2025-08-06.

Conditions:
Mitochondrial DNA depletion syndrome 13. Also called: FBXL4-Related Encephalomyopathic Mitochondrial DNA Depletion Syndrome; Mitochondrial DNA depletion syndrome 13 (encephalomyopathic type). Identifiers: Orphanet 369897, MedGen C3809592, MONDO:0014198, OMIM 615471.

Allele frequency attached by ClinVar (database versions not stated): gnomAD exomes 0.00002 and 0.00001; ExAC 0.00001; gnomAD 0.00001; TOPMed 0.00001.
gnomAD v4.1: 27 of 1,613,728 alleles (0.0017%); highest among the groups gnomAD compares: Non-Finnish European, 0.0022%; no homozygotes.

Submissions (2):

GeneDx
Classification: Uncertain significance. Last evaluated: 2025-08-06. Review status: criteria provided, single submitter. Criteria: GeneDx Variant Classification Process June 2021. Collection method: clinical testing. Allele origin: germline. Affected: yes.
Comment: Not observed at significant frequency in large population cohorts (gnomAD); In silico analysis suggests this variant may impact gene splicing. In the absence of RNA/functional studies, the actual effect of this sequence change is unknown.; Has not been previously published as pathogenic or benign to our knowledge

Wong Mito Lab, Molecular and Human Genetics, Baylor College of Medicine
Classification: Uncertain significance for Mitochondrial DNA depletion syndrome 13. Last evaluated: 2017-08-10. Review status: criteria provided, single submitter. Criteria: ACMG Guidelines, 2015. Collection method: reference population. Allele origin: germline.
Comment: The NM_012160.4:c.1311A>G (NP_036292.2:p.Lys437=) [GRCH38: NC_000006.12:g.98899274T>C] variant in FBXL4 gene is interpretated to be a Uncertain Significance - Insufficient Evidence based on ACMG guidelines (PMID: 25741868). This variant meets one or more of the following evidence codes reported in the ACMG-guideline. PM2:This variant is absent in key population databases. Based on this evidence code ClinGen Pathogenicity Calculator (PMID:28081714) suggested that the variant is Uncertain Significance - Insufficient Evidence.

NM_001278716.2(FBXL4):c.1311A>G (p.Lys437=)

Gene: FBXL4 (F-box and leucine rich repeat protein 4; minus strand). Cytogenetic location: 6q16.1.
Variant type: single nucleotide variant.
Coding change: c.1311A>G on transcript NM_001278716.2 (MANE Select); coding-DNA position 1311, A replaced by G.
Protein change: p.Lys437=; no amino-acid change (lysine 437 retained).
Molecular consequence: synonymous variant. On other transcripts: non-coding transcript variant (2).
Genome position (GRCh38, 1-based): chr6:98,899,274, T>C on the plus strand (A>G on the coding strand, the complement: FBXL4 is on the minus strand). VCF-style: chr6-98899274-T-C. GRCh37 (hg19) VCF-style: chr6-99347150-T-C.
Other names: c.1311A>G, p.Lys437= (NM_012160.5); c.1311A>G (NM_012160.3).
Identifiers: ClinVar variation 437727 (VCV000437727.2), dbSNP rs764445798, ClinGen allele CA3933488.